The following is an entry in ClinVar:

ClinVar aggregate classification (germline): Conflicting classifications of pathogenicity. Review status: criteria provided, conflicting classifications (1 of 4 stars). 5 submissions from 4 submitters: Likely pathogenic (2); Uncertain significance (3). Last evaluated 2026-07-08.

Conditions:
Ehlers-Danlos syndrome, classic type, 1 (EDSCL1). Also called: EDS I; Ehlers-Danlos Syndrome, Classic Type, COL5A1-Related; EHLERS-DANLOS SYNDROME, GRAVIS TYPE; EHLERS-DANLOS SYNDROME, SEVERE CLASSIC TYPE; Ehlers-Danlos syndrome, type 1. Identifiers: MedGen C0268335, MONDO:0019567, OMIM 130000.
Ehlers-Danlos syndrome, classic type (cEDS). Identifiers: Orphanet 287, MedGen C4225429, MONDO:0007522.
Familial thoracic aortic aneurysm and aortic dissection (TAAD). Also called: Thoracic aortic aneurysms and dissections. Identifiers: Orphanet 91387, MedGen C4707243, MONDO:0019625.

Allele frequency attached by ClinVar (database versions not stated): gnomAD exomes 0.00005 and 0.00001; ExAC 0.00001; gnomAD 0.00001; TOPMed 0.00001.
gnomAD v4.1: 73 of 1,613,474 alleles (0.0045%); highest among the groups gnomAD compares: Non-Finnish European, 0.0059%; no homozygotes.

Submissions (5):

Ambry Genetics
Classification: Uncertain significance for Familial thoracic aortic aneurysm and aortic dissection. Last evaluated: 2026-07-08. Review status: criteria provided, single submitter. Criteria: Ambry Variant Classification Scheme 2023. Collection method: clinical testing. Allele origin: germline.
Comment: The p.P136S variant (also known as c.406C>T), located in coding exon 3 of the COL5A1 gene, results from a C to T substitution at nucleotide position 406. The proline at codon 136 is replaced by serine, an amino acid with similar properties. This amino acid position is highly conserved in available vertebrate species. In addition, the in silico prediction for this alteration is inconclusive. Based on the available evidence, the clinical significance of this variant remains unclear.

GeneDx
Classification: Uncertain significance. Last evaluated: 2025-12-08. Review status: criteria provided, single submitter. Criteria: GeneDx Variant Classification Process June 2021. Collection method: clinical testing. Allele origin: germline. Affected: yes.
Comment: Not observed at significant frequency in large population cohorts (gnomAD); In silico analysis supports that this missense variant has a deleterious effect on protein structure/function; Not located in the triple helical region, where the majority of pathogenic missense variants occur (PMID: 22696272; HGMD); This variant is associated with the following publications: (PMID: 26633545)

Labcorp Genetics (formerly Invitae), Labcorp
Classification: Likely pathogenic for Ehlers-Danlos syndrome, classic type, 1. Last evaluated: 2025-12-03. Review status: criteria provided, single submitter. Criteria: Invitae Variant Classification Sherloc (09022015). Collection method: clinical testing. Allele origin: germline.
Comment: This sequence change replaces proline, which is neutral and non-polar, with serine, which is neutral and polar, at codon 136 of the COL5A1 protein (p.Pro136Ser). This variant is present in population databases (rs777625241, gnomAD 0.002%). This missense change has been observed in individuals with COL5A1-related conditions (PMID: 26633545; ClinVar, internal data). ClinVar contains an entry for this variant (Variation ID: 209143). Invitae Evidence Modeling of protein sequence and biophysical properties (such as structural, functional, and spatial information, amino acid conservation, physicochemical variation, residue mobility, and thermodynamic stability) indicates that this missense variant is not expected to disrupt COL5A1 protein function with a negative predictive value of 95%. In summary, the currently available evidence indicates that the variant is pathogenic, but additional data are needed to prove that conclusively. Therefore, this variant has been classified as Likely Pathogenic.

Baylor Genetics
Classification: Likely pathogenic for Ehlers-Danlos syndrome, classic type. Last evaluated: 2013-11-19. Review status: criteria provided, single submitter. Criteria: Yang et al. 2013. Collection method: clinical testing. Allele origin: maternal. Inheritance: Autosomal dominant inheritance. Affected: yes. Observed: 1 variant allele, 1 heterozygote. Study: Adult_WES.

Baylor Genetics
Classification: Uncertain significance for Ehlers-Danlos syndrome, classic type, 1. Review status: criteria provided, single submitter. Criteria: ACMG Guidelines, 2015. Collection method: clinical testing. Allele origin: unknown.

Literature cited by the submitters: PubMed 26633545 (cited by Labcorp Genetics (formerly Invitae), Labcorp and Baylor Genetics).

NM_000093.5(COL5A1):c.406C>T (p.Pro136Ser)

Gene: COL5A1 (collagen type V alpha 1 chain; plus strand). Cytogenetic location: 9q34.3.
Variant type: single nucleotide variant.
Coding change: c.406C>T on transcript NM_000093.5 (MANE Select); coding-DNA position 406, C replaced by T.
Protein change: p.Pro136Ser; replaces proline 136 with serine.
Molecular consequence: missense variant.
Genome position (GRCh38, 1-based): chr9:134,700,037, C>T. VCF-style: chr9-134700037-C-T. GRCh37 (hg19) VCF-style: chr9-137591883-C-T.
Other names: c.406C>T, p.Pro136Ser (NM_001278074.1); short protein forms P136S.
Identifiers: ClinVar variation 209143 (VCV000209143.17), dbSNP rs777625241, ClinGen allele CA281507.